The following is an entry in ClinVar:

ClinVar aggregate classification (germline): Uncertain significance (1 of 4 stars; one submission).

Allele frequency attached by ClinVar (database versions not stated): TOPMed 0.00002.
gnomAD v4.1: 15 of 1,613,860 alleles (0.00093%); highest among the groups gnomAD compares: East Asian, 0.0045%; no homozygotes.

Submission:

Labcorp Genetics (formerly Invitae), Labcorp
Classification: Uncertain significance. Last evaluated: 2023-05-22. Review status: criteria provided, single submitter. Criteria: Invitae Variant Classification Sherloc (09022015). Collection method: clinical testing. Allele origin: germline.
Comment: In summary, the available evidence is currently insufficient to determine the role of this variant in disease. Therefore, it has been classified as a Variant of Uncertain Significance. Advanced modeling of protein sequence and biophysical properties (such as structural, functional, and spatial information, amino acid conservation, physicochemical variation, residue mobility, and thermodynamic stability) performed at Invitae indicates that this missense variant is not expected to disrupt FLVCR2 protein function. ClinVar contains an entry for this variant (Variation ID: 2416040). This variant has not been reported in the literature in individuals affected with FLVCR2-related conditions. This variant is present in population databases (rs763752990, gnomAD 0.006%). This sequence change replaces alanine, which is neutral and non-polar, with threonine, which is neutral and polar, at codon 302 of the FLVCR2 protein (p.Ala302Thr).

NM_017791.3(FLVCR2):c.904G>A (p.Ala302Thr)

Gene: FLVCR2 (FLVCR choline and putative heme transporter 2; plus strand). Cytogenetic location: 14q24.3.
Variant type: single nucleotide variant.
Coding change: c.904G>A on transcript NM_017791.3 (MANE Select); coding-DNA position 904, G replaced by A.
Protein change: p.Ala302Thr; replaces alanine 302 with threonine.
Molecular consequence: missense variant.
Genome position (GRCh38, 1-based): chr14:75,624,704, G>A. VCF-style: chr14-75624704-G-A. GRCh37 (hg19) VCF-style: chr14-76091047-G-A.
Other names: c.289G>A, p.Ala97Thr (NM_001195283.2); short protein forms A302T, A97T.
Identifiers: ClinVar variation 2416040 (VCV002416040.4), dbSNP rs763752990, ClinGen allele CA7278349.